The following is an entry in ClinVar:

ClinVar aggregate classification (germline): Uncertain significance (1 of 4 stars; one submission).

Allele frequency attached by ClinVar (database versions not stated): gnomAD exomes below 0.00001.
gnomAD v4.1: 1 of 1,613,632 alleles (0.000062%); no homozygotes.

Submission:

GeneDx
Classification: Uncertain significance. Last evaluated: 2022-01-25. Review status: criteria provided, single submitter. Criteria: GeneDx Variant Classification Process June 2021. Collection method: clinical testing. Allele origin: germline. Affected: yes.
Comment: Not observed at significant frequency in large population cohorts (gnomAD); In silico analysis supports that this missense variant has a deleterious effect on protein structure/function; Has not been previously published as pathogenic or benign to our knowledge

NM_000435.3(NOTCH3):c.2033G>A (p.Gly678Asp)

Gene: NOTCH3 (notch receptor 3; minus strand). Cytogenetic location: 19p13.12.
Variant type: single nucleotide variant.
Coding change: c.2033G>A on transcript NM_000435.3 (MANE Select); coding-DNA position 2033, G replaced by A.
Protein change: p.Gly678Asp; replaces glycine 678 with aspartic acid.
Molecular consequence: missense variant.
Genome position (GRCh38, 1-based): chr19:15,185,598, C>T on the plus strand (G>A on the coding strand, the complement: NOTCH3 is on the minus strand). VCF-style: chr19-15185598-C-T. GRCh37 (hg19) VCF-style: chr19-15296409-C-T.
Other names: short protein forms G678D.
Identifiers: ClinVar variation 1698264 (VCV001698264.2), dbSNP rs1599387375, ClinGen allele CA404523048.